The following is an entry in ClinVar:

NM_203290.4(POLR1C):c.943G>A (p.Val315Met)

Gene: POLR1C (RNA polymerase I and III subunit C; plus strand). Cytogenetic location: 6p21.1.
Variant type: single nucleotide variant.
Coding change: c.943G>A on transcript NM_203290.4 (MANE Select); coding-DNA position 943, G replaced by A.
Protein change: p.Val315Met; replaces valine 315 with methionine.
Molecular consequence: missense variant. On other transcripts: intron variant (2).
Genome position (GRCh38, 1-based): chr6:43,521,202, G>A. VCF-style: chr6-43521202-G-A. GRCh37 (hg19) VCF-style: chr6-43488940-G-A.
Other names: c.922+154G>A (NM_001363658.2, NM_001318876.2); short protein forms V315M.
Identifiers: ClinVar variation 4752286 (VCV004752286.1).

ClinVar aggregate classification (germline): Uncertain significance (1 of 4 stars; one submission).

gnomAD v4.1: 8 of 1,614,006 alleles (0.0005%); highest among the groups gnomAD compares: African/African-American, 0.0013%; no homozygotes.

Submission:

Labcorp Genetics (formerly Invitae), Labcorp
Classification: Uncertain significance. Last evaluated: 2025-03-05. Review status: criteria provided, single submitter. Criteria: Invitae Variant Classification Sherloc (09022015). Collection method: clinical testing. Allele origin: germline.
Comment: This sequence change replaces valine, which is neutral and non-polar, with methionine, which is neutral and non-polar, at codon 315 of the POLR1C protein (p.Val315Met). This variant is present in population databases (rs762136709, gnomAD 0.003%). This variant has not been reported in the literature in individuals affected with POLR1C-related conditions. Invitae Evidence Modeling of protein sequence and biophysical properties (such as structural, functional, and spatial information, amino acid conservation, physicochemical variation, residue mobility, and thermodynamic stability) indicates that this missense variant is not expected to disrupt POLR1C protein function with a negative predictive value of 80%. In summary, the available evidence is currently insufficient to determine the role of this variant in disease. Therefore, it has been classified as a Variant of Uncertain Significance.